The following is an entry in ClinVar:

NM_004370.6(COL12A1):c.9032C>T (p.Thr3011Ile)

Gene: COL12A1 (collagen type XII alpha 1 chain; minus strand). Cytogenetic location: 6q13.
Variant type: single nucleotide variant.
Coding change: c.9032C>T on transcript NM_004370.6 (MANE Select); coding-DNA position 9032, C replaced by T.
Protein change: p.Thr3011Ile; replaces threonine 3011 with isoleucine.
Molecular consequence: missense variant.
Genome position (GRCh38, 1-based): chr6:75,087,726, G>A on the plus strand (C>T on the coding strand, the complement: COL12A1 is on the minus strand). VCF-style: chr6-75087726-G-A. GRCh37 (hg19) VCF-style: chr6-75797442-G-A.
Other names: c.5540C>T, p.Thr1847Ile (NM_080645.3); short protein forms T1847I, T3011I.
Identifiers: ClinVar variation 858523 (VCV000858523.10), dbSNP rs1767574420, ClinGen allele CA364733143.
Genomic context (GRCh38, chr6:75,087,726, plus strand): 5'-TTTCCAGGACGGCCAGGGGGGCCAGGGGGACCTCTTGAACCTGTGGACCCTGGTGGACCT[G>A]TTCTGGATTCTCCTTGTGGACCTAGTGTGGAGTTAAAACAAATATATTTCCCCTCTTGTC-3'
Protein context (NP_004361.3, residues 3001-3021): GPPGPQGESR[Thr3011Ile]GPPGSTGSRG

ClinVar aggregate classification (germline): Uncertain significance (1 of 4 stars; one submission).

Conditions:
Ullrich congenital muscular dystrophy 2 (UCMD2). Identifiers: Orphanet 75840, MedGen C4225314, MONDO:0014654, OMIM 616470.
Bethlem myopathy 2 (BTHLM2). Identifiers: Orphanet 536516, Orphanet 610, MedGen C4225313, MONDO:0034022, OMIM 616471.

Submission:

Labcorp Genetics (formerly Invitae), Labcorp
Classification: Uncertain significance for Bethlem myopathy 2; Ullrich congenital muscular dystrophy 2. Last evaluated: 2019-01-29. Review status: criteria provided, single submitter. Criteria: Invitae Variant Classification Sherloc (09022015). Collection method: clinical testing. Allele origin: germline.
Comment: In summary, the available evidence is currently insufficient to determine the role of this variant in disease. Therefore, it has been classified as a Variant of Uncertain Significance. Algorithms developed to predict the effect of missense changes on protein structure and function are either unavailable or do not agree on the potential impact of this missense change (SIFT: "Deleterious"; PolyPhen-2: "Benign"; Align-GVGD: "Class C0"). This variant has not been reported in the literature in individuals with COL12A1-related conditions. This variant is not present in population databases (ExAC no frequency). This sequence change replaces threonine with isoleucine at codon 3011 of the COL12A1 protein (p.Thr3011Ile). The threonine residue is highly conserved and there is a moderate physicochemical difference between threonine and isoleucine.